The following is an entry in ClinVar:

NM_000350.3(ABCA4):c.6148-465T>C

Gene: ABCA4 (ATP binding cassette subfamily A member 4; minus strand). Cytogenetic location: 1p22.1.
Variant type: single nucleotide variant.
Coding change: c.6148-465T>C on transcript NM_000350.3 (MANE Select); 465 bases into the intron before coding-DNA position 6148, T replaced by C.
Molecular consequence: intron variant.
Genome position (GRCh38, 1-based): chr1:94,002,457, A>G on the plus strand (T>C on the coding strand, the complement: ABCA4 is on the minus strand). VCF-style: chr1-94002457-A-G. GRCh37 (hg19) VCF-style: chr1-94468013-A-G.
Other names: c.5926-465T>C (NM_001425324.1).
Identifiers: ClinVar variation 5001356 (VCV005001356.1).

ClinVar aggregate classification (germline): Likely benign (1 of 4 stars; one submission).

Conditions:
ABCA4-related disorder. Also called: ABCA4-related disorders; ABCA4-related condition. Identifiers: MedGen CN239167.

Submission:

PreventionGenetics, part of Exact Sciences
Classification: Likely benign for ABCA4-related condition. Last evaluated: 2024-10-23. Review status: criteria provided, single submitter. Criteria: ACMG Guidelines, 2015. Collection method: clinical testing. Allele origin: germline.
Comment: This variant is classified as likely benign based on ACMG/AMP sequence variant interpretation guidelines (Richards et al. 2015 PMID: 25741868, with internal and published modifications).